The following is an entry in ClinVar:

NM_005475.3(SH2B3):c.29C>T (p.Ser10Leu)

Gene: SH2B3 (SH2B adaptor protein 3; plus strand). Cytogenetic location: 12q24.12.
Variant type: single nucleotide variant.
Coding change: c.29C>T on transcript NM_005475.3 (MANE Select); coding-DNA position 29, C replaced by T.
Protein change: p.Ser10Leu; replaces serine 10 with leucine.
Molecular consequence: missense variant.
Genome position (GRCh38, 1-based): chr12:111,418,174, C>T. VCF-style: chr12-111418174-C-T. GRCh37 (hg19) VCF-style: chr12-111855978-C-T.
Other names: short protein forms S10L.
Identifiers: ClinVar variation 4630722 (VCV004630722.1).

ClinVar aggregate classification (germline): Uncertain significance (1 of 4 stars; one submission).

Conditions:
Inborn genetic diseases. Identifiers: MedGen C0950123, MeSH D030342.

Submission:

Ambry Genetics
Classification: Uncertain significance for Inborn genetic diseases. Last evaluated: 2025-10-19. Review status: criteria provided, single submitter. Criteria: Ambry Variant Classification Scheme 2023. Collection method: clinical testing. Allele origin: germline.
Comment: The p.S10L variant (also known as c.29C>T), located in coding exon 1 of the SH2B3 gene, results from a C to T substitution at nucleotide position 29. The serine at codon 10 is replaced by leucine, an amino acid with dissimilar properties. This amino acid position is conserved. In addition, this alteration is predicted to be tolerated by in silico analysis. Based on the available evidence, the clinical significance of this variant remains unclear.